The following is an entry in ClinVar:

NM_001447.3(FAT2):c.7453C>T (p.Leu2485Phe)

Genes: FAT2 (FAT atypical cadherin 2; minus strand), SLC36A1 (solute carrier family 36 member 1; plus strand). Cytogenetic location: 5q33.1.
Variant type: single nucleotide variant.
Coding change: c.7453C>T on transcript NM_001447.3 (MANE Select); coding-DNA position 7453, C replaced by T.
Protein change: p.Leu2485Phe; replaces leucine 2485 with phenylalanine.
Molecular consequence: missense variant.
Genome position (GRCh38, 1-based): chr5:151,543,674, G>A on the plus strand (C>T on the coding strand, the complement: FAT2 is on the minus strand). VCF-style: chr5-151543674-G-A. GRCh37 (hg19) VCF-style: chr5-150923235-G-A.
Other names: short protein forms L2485F.
Identifiers: ClinVar variation 2416154 (VCV002416154.6), dbSNP rs370519297, ClinGen allele CA3520957.

ClinVar aggregate classification (germline): Uncertain significance (1 of 4 stars; one submission).

Allele frequency attached by ClinVar (database versions not stated): ExAC 0.00001; ESP Exome Variant Server 0.00008.
gnomAD v4.1: 9 of 1,614,056 alleles (0.00056%); highest among the groups gnomAD compares: Middle Eastern, 0.016%; no homozygotes.

Submission:

Labcorp Genetics (formerly Invitae), Labcorp
Classification: Uncertain significance. Last evaluated: 2025-01-15. Review status: criteria provided, single submitter. Criteria: Invitae Variant Classification Sherloc (09022015). Collection method: clinical testing. Allele origin: germline.
Comment: This sequence change replaces leucine, which is neutral and non-polar, with phenylalanine, which is neutral and non-polar, at codon 2485 of the FAT2 protein (p.Leu2485Phe). This variant is present in population databases (rs370519297, gnomAD 0.009%). This variant has not been reported in the literature in individuals affected with FAT2-related conditions. ClinVar contains an entry for this variant (Variation ID: 2416154). Invitae Evidence Modeling of protein sequence and biophysical properties (such as structural, functional, and spatial information, amino acid conservation, physicochemical variation, residue mobility, and thermodynamic stability) indicates that this missense variant is not expected to disrupt FAT2 protein function with a negative predictive value of 80%. In summary, the available evidence is currently insufficient to determine the role of this variant in disease. Therefore, it has been classified as a Variant of Uncertain Significance.